The following is an entry in ClinVar:

NM_002087.4(GRN):c.1A>G (p.Met1Val)

Gene: GRN (granulin precursor; plus strand). Cytogenetic location: 17q21.31.
Variant type: single nucleotide variant.
Coding change: c.1A>G on transcript NM_002087.4 (MANE Select); coding-DNA position 1, A replaced by G.
Protein change: p.Met1Val; changes the start codon (methionine 1).
Molecular consequence: missense variant, initiator codon variant.
Genome position (GRCh38, 1-based): chr17:44,349,165, A>G. VCF-style: chr17-44349165-A-G. GRCh37 (hg19) VCF-style: chr17-42426533-A-G.
Other names: short protein forms M1V.
Identifiers: ClinVar variation 1352426 (VCV001352426.8), dbSNP rs746037872, ClinGen allele CA399758963.

ClinVar aggregate classification (germline): Pathogenic/Likely pathogenic. Review status: criteria provided, multiple submitters, no conflicts (2 of 4 stars). 2 submissions from 2 submitters: Pathogenic (1); Likely pathogenic (1). Last evaluated 2021-10-27.

Conditions:
GRN-related frontotemporal lobar degeneration with Tdp43 inclusions (FTD2). Also called: DEMENTIA, HEREDITARY DYSPHASIC DISINHIBITION; FRONTOTEMPORAL DEMENTIA WITH TDP43 INCLUSIONS, GRN-RELATED; GRN Frontotemporal Dementia; FRONTOTEMPORAL LOBAR DEGENERATION WITH UBIQUITIN-POSITIVE INCLUSIONS; FTLD-TDP, GRN-RELATED. Identifiers: Orphanet 100070, Orphanet 282, MedGen C1843792, MONDO:0011842, OMIM 607485. Disease mechanism: loss of function.
Neuronal ceroid lipofuscinosis 11. Also called: GRN-Related Neuronal Ceroid-Lipofuscinosis. Identifiers: Orphanet 314629, Orphanet 79262, MedGen C3539123, MONDO:0013866, OMIM 614706.

Submissions (2):

Labcorp Genetics (formerly Invitae), Labcorp
Classification: Pathogenic for Neuronal ceroid lipofuscinosis 11; GRN-related frontotemporal lobar degeneration with Tdp43 inclusions. Last evaluated: 2021-10-27. Review status: criteria provided, single submitter. Criteria: Invitae Variant Classification Sherloc (09022015). Collection method: clinical testing. Allele origin: germline.
Comment: For these reasons, this variant has been classified as Pathogenic. Disruption of the initiator codon has been observed in individuals with frontotemporal dementia (PMID: 16862115, 16862116, 18245784, 21482928, 23609919, 28543767). This variant is not present in population databases (gnomAD no frequency). This sequence change affects the initiator methionine of the GRN mRNA. The next in-frame methionine is located at codon 142.

Juno Genomics, Hangzhou Juno Genomics, Inc
Classification: Likely pathogenic for GRN-related frontotemporal lobar degeneration with Tdp43 inclusions. Review status: criteria provided, single submitter. Criteria: ACMG Guidelines, 2015. Collection method: clinical testing. Allele origin: germline.
Comment: Absent from controls (or at extremely low frequency if recessive) in Genome Aggregation Database.;Null variant in a gene where loss of function (LOF) is a known mechanism of disease.;The prevalence of the variant in affected individuals is significantly increased compared to the prevalence in controls.;Patient's phenotype or family history is highly specific for a disease with a single genetic etiology.

Literature cited by the submitters: PubMed 16862115 (cited by Labcorp Genetics (formerly Invitae), Labcorp); PubMed 16862116 (cited by Labcorp Genetics (formerly Invitae), Labcorp); PubMed 18245784 (cited by Labcorp Genetics (formerly Invitae), Labcorp); PubMed 21482928 (cited by Labcorp Genetics (formerly Invitae), Labcorp); PubMed 23609919 (cited by Labcorp Genetics (formerly Invitae), Labcorp); PubMed 28543767 (cited by Labcorp Genetics (formerly Invitae), Labcorp).